The following is an entry in ClinVar:

ClinVar aggregate classification (germline): Uncertain significance (1 of 4 stars; one submission).

Submission:

GeneDx
Classification: Uncertain significance. Last evaluated: 2024-04-22. Review status: criteria provided, single submitter. Criteria: GeneDx Variant Classification Process June 2021. Collection method: clinical testing. Allele origin: germline. Affected: yes.
Comment: Not observed at significant frequency in large population cohorts (gnomAD); In-frame deletion of 1 amino acid in a non-repeat region; In silico analysis supports a deleterious effect on protein structure/function; Has not been previously published as pathogenic or benign to our knowledge

NM_198525.3(KIF7):c.1456_1458del (p.Ala486del)

Gene: KIF7 (kinesin family member 7; minus strand). Cytogenetic location: 15q26.1.
Variant type: Deletion.
Coding change: c.1456_1458del on transcript NM_198525.3 (MANE Select); coding-DNA positions 1456 to 1458, 3 bases deleted (GCG; older notation c.1456_1458delGCG).
Protein change: p.Ala486del; deletes alanine 486.
Molecular consequence: inframe deletion.
Genome position (GRCh38, 1-based): chr15:89,647,698-89,647,700, CGC deleted on the plus strand (GCG on the coding strand, the reverse complement: KIF7 is on the minus strand); deleting any 3 consecutive bases within chr15:89,647,698-89,647,701 gives the same sequence; the c. name uses the placement nearest the transcript's 3' end. VCF-style (leftmost placement, unchanged base first): chr15-89647697-GCGC-G. GRCh37 (hg19) VCF-style: chr15-90190928-GCGC-G.
Other names: short protein forms A486del.
Identifiers: ClinVar variation 3368236 (VCV003368236.1).
Genomic context (GRCh38, chr15:89,647,697, plus strand): 5'-GAAAGTCTCGGTTCTCCTCCTCCAGCCGCGCCACCTGGTTCTGCAGGGTCAGCAGCTGCT[GCGC>G]CCCCTCATCCTCCTATAGGGCAGGGAGAGGGGCTTCAGGGGCGGGGGTTGACAGGGCGAG-3'